The following is an entry in ClinVar:

NM_003221.4(TFAP2B):c.640A>G (p.Asn214Asp)

Gene: TFAP2B (transcription factor AP-2 beta; plus strand). Cytogenetic location: 6p12.3.
Variant type: single nucleotide variant.
Coding change: c.640A>G on transcript NM_003221.4 (MANE Select); coding-DNA position 640, A replaced by G.
Protein change: p.Asn214Asp; replaces asparagine 214 with aspartic acid.
Molecular consequence: missense variant.
Genome position (GRCh38, 1-based): chr6:50,836,099, A>G. VCF-style: chr6-50836099-A-G. GRCh37 (hg19) VCF-style: chr6-50803812-A-G.
Other names: short protein forms N214D.
Identifiers: ClinVar variation 2791697 (VCV002791697.3), dbSNP rs1762616593, ClinGen allele CA364414733.
Genomic context (GRCh38, chr6:50,836,099, plus strand): 5'-GCAATTTTTTCTCTCTTTCTAGTTCCAGTTCCTCCCAAATCGGTGACTTCTCTAATGATG[A>G]ATAAAGACGGCTTCCTGGGAGGCATGTCTGTCAACACCGGCGAGGTGTTTTGCTCCGTCC-3'
Protein context (NP_003212.2, residues 204-224): PPKSVTSLMM[Asn214Asp]KDGFLGGMSV

ClinVar aggregate classification (germline): Uncertain significance (1 of 4 stars; one submission).

Submission:

Labcorp Genetics (formerly Invitae), Labcorp
Classification: Uncertain significance. Last evaluated: 2023-11-11. Review status: criteria provided, single submitter. Criteria: Invitae Variant Classification Sherloc (09022015). Collection method: clinical testing. Allele origin: germline.
Comment: This sequence change replaces asparagine, which is neutral and polar, with aspartic acid, which is acidic and polar, at codon 214 of the TFAP2B protein (p.Asn214Asp). This variant is not present in population databases (gnomAD no frequency). This variant has not been reported in the literature in individuals affected with TFAP2B-related conditions. Advanced modeling of protein sequence and biophysical properties (such as structural, functional, and spatial information, amino acid conservation, physicochemical variation, residue mobility, and thermodynamic stability) performed at Invitae indicates that this missense variant is not expected to disrupt TFAP2B protein function with a negative predictive value of 80%. In summary, the available evidence is currently insufficient to determine the role of this variant in disease. Therefore, it has been classified as a Variant of Uncertain Significance.